The following is an entry in ClinVar:

NM_000246.4(CIITA):c.2942C>T (p.Thr981Met)

Gene: CIITA (class II major histocompatibility complex transactivator; plus strand). Cytogenetic location: 16p13.13.
Variant type: single nucleotide variant.
Coding change: c.2942C>T on transcript NM_000246.4 (MANE Select); coding-DNA position 2942, C replaced by T.
Protein change: p.Thr981Met; replaces threonine 981 with methionine.
Molecular consequence: missense variant. On other transcripts: non-coding transcript variant (1).
Genome position (GRCh38, 1-based): chr16:10,915,623, C>T. VCF-style: chr16-10915623-C-T. GRCh37 (hg19) VCF-style: chr16-11009480-C-T.
Other names: c.2945C>T, p.Thr982Met (NM_001286402.1, NM_001379332.1); c.1190C>T, p.Thr397Met (NM_001286403.2); c.2798C>T, p.Thr933Met (NM_001379330.1); c.2795C>T, p.Thr932Met (NM_001379331.1); c.2942C>T, p.Thr981Met (NM_001379333.1); c.2873C>T, p.Thr958Met (NM_001379334.1); short protein forms T981M, T982M, T397M, T932M, T933M, T958M.
Identifiers: ClinVar variation 568716 (VCV000568716.3), dbSNP rs369744959, ClinGen allele CA7900586.

ClinVar aggregate classification (germline): Uncertain significance (1 of 4 stars; one submission).

Conditions:
MHC class II deficiency. Also called: Bare lymphocyte syndrome 2; BLS, TYPE II. Identifiers: Orphanet 572, MedGen C5447452, MONDO:0008855.

Allele frequency attached by ClinVar (database versions not stated): ESP Exome Variant Server 0.00008; TOPMed 0.00010; gnomAD 0.00013; 1000 Genomes Project 30x 0.00016; 1000 Genomes Project 0.00020.
gnomAD v4.1: 100 of 1,614,122 alleles (0.0062%); highest among the groups gnomAD compares: Admixed American, 0.057%; no homozygotes.

Submission:

Labcorp Genetics (formerly Invitae), Labcorp
Classification: Uncertain significance for MHC class II deficiency. Last evaluated: 2022-09-06. Review status: criteria provided, single submitter. Criteria: Invitae Variant Classification Sherloc (09022015). Collection method: clinical testing. Allele origin: germline.
Comment: This sequence change replaces threonine, which is neutral and polar, with methionine, which is neutral and non-polar, at codon 981 of the CIITA protein (p.Thr981Met). This variant is present in population databases (rs369744959, gnomAD 0.05%). This variant has not been reported in the literature in individuals affected with CIITA-related conditions. ClinVar contains an entry for this variant (Variation ID: 568716). Algorithms developed to predict the effect of missense changes on protein structure and function output the following: SIFT: "Deleterious"; PolyPhen-2: "Benign"; Align-GVGD: "Class C0". The methionine amino acid residue is found in multiple mammalian species, which suggests that this missense change does not adversely affect protein function. In summary, the available evidence is currently insufficient to determine the role of this variant in disease. Therefore, it has been classified as a Variant of Uncertain Significance.